The following is an entry in ClinVar:

NM_017780.4(CHD7):c.1336G>T (p.Gly446Ter)

Gene: CHD7 (chromodomain helicase DNA binding protein 7; plus strand). Cytogenetic location: 8q12.2.
Variant type: single nucleotide variant.
Coding change: c.1336G>T on transcript NM_017780.4 (MANE Select); coding-DNA position 1336, G replaced by T.
Protein change: p.Gly446Ter; replaces glycine 446 with a stop codon.
Molecular consequence: nonsense.
Genome position (GRCh38, 1-based): chr8:60,742,768, G>T. VCF-style: chr8-60742768-G-T. GRCh37 (hg19) VCF-style: chr8-61655327-G-T.
Other names: c.1336G>T, p.Gly446Ter (NM_001316690.1); short protein forms G446*.
Identifiers: ClinVar variation 4998884 (VCV004998884.1).

ClinVar aggregate classification (germline): Likely pathogenic (1 of 4 stars; one submission).

Conditions:
CHD7-related disorder. Also called: CHD7-related condition.

Submission:

PreventionGenetics, part of Exact Sciences
Classification: Likely pathogenic for CHD7-related condition. Last evaluated: 2025-01-24. Review status: criteria provided, single submitter. Criteria: ACMG Guidelines, 2015. Collection method: clinical testing. Allele origin: germline.
Comment: The CHD7 c.1336G>T variant is predicted to result in premature protein termination (p.Gly446*). To our knowledge, this variant has not been reported in the literature or in a large population database (gnomAD), indicating this variant is rare. Nonsense variants in CHD7 are expected to be pathogenic. This variant is interpreted as likely pathogenic.